The following is an entry in ClinVar:

NM_002519.3(NPAT):c.422C>G (p.Pro141Arg)

Gene: NPAT (nuclear protein, coactivator of histone transcription; minus strand). Cytogenetic location: 11q22.3.
Variant type: single nucleotide variant.
Coding change: c.422C>G on transcript NM_002519.3 (MANE Select); coding-DNA position 422, C replaced by G.
Protein change: p.Pro141Arg; replaces proline 141 with arginine.
Molecular consequence: missense variant.
Genome position (GRCh38, 1-based): chr11:108,189,240, G>C on the plus strand (C>G on the coding strand, the complement: NPAT is on the minus strand). VCF-style: chr11-108189240-G-C. GRCh37 (hg19) VCF-style: chr11-108059967-G-C.
Other names: c.422C>G, p.Pro141Arg (NM_001321307.1); short protein forms P141R.
Identifiers: ClinVar variation 1738882 (VCV001738882.2), dbSNP rs771410084, ClinGen allele CA6264296.

ClinVar aggregate classification (germline): Uncertain significance (1 of 4 stars; one submission).

Allele frequency attached by ClinVar (database versions not stated): gnomAD exomes below 0.00001; ExAC 0.00001.
gnomAD v4.1: 2 of 1,614,162 alleles (0.00012%); highest among the groups gnomAD compares: East Asian, 0.0045%; no homozygotes.

Submission:

Ambry Genetics
Classification: Uncertain significance. Last evaluated: 2022-04-06. Review status: criteria provided, single submitter. Criteria: Ambry Variant Classification Scheme 2023. Collection method: clinical testing. Allele origin: germline.
Comment: The p.P141R variant (also known as c.422C>G), located in coding exon 6 of the NPAT gene, results from a C to G substitution at nucleotide position 422. The proline at codon 141 is replaced by arginine, an amino acid with dissimilar properties. This amino acid position is conserved. In addition, this alteration is predicted to be tolerated by in silico analysis. Since supporting evidence is limited at this time, the clinical significance of this alteration remains unclear.